The following is an entry in ClinVar:

NM_001042492.3(NF1):c.289C>T (p.Gln97Ter)

Gene: NF1 (neurofibromin 1; plus strand). Cytogenetic location: 17q11.2.
Variant type: single nucleotide variant.
Coding change: c.289C>T on transcript NM_001042492.3 (MANE Select); coding-DNA position 289, C replaced by T.
Protein change: p.Gln97Ter; replaces glutamine 97 with a stop codon.
Molecular consequence: nonsense.
Genome position (GRCh38, 1-based): chr17:31,163,186, C>T. VCF-style: chr17-31163186-C-T. GRCh37 (hg19) VCF-style: chr17-29490204-C-T.
Other names: c.289C>T, p.Gln97Ter (NM_001128147.3, NM_000267.4); short protein forms Q97*.
Identifiers: ClinVar variation 818189 (VCV000818189.9), dbSNP rs1597635615, ClinGen allele CA398981623.

ClinVar aggregate classification (germline): Pathogenic. Review status: criteria provided, multiple submitters, no conflicts (2 of 4 stars). 5 submissions from 5 submitters: Pathogenic (5). Last evaluated 2026-07-24.

Conditions:
Neurofibromatosis, type 1 (NF1). Also called: VON RECKLINGHAUSEN DISEASE; Neurofibromatosis, type I; Peripheral type neurofibromatosis; NEUROFIBROMATOSIS, TYPE I, SOMATIC. Identifiers: Orphanet 636, MedGen C0027831, MONDO:0018975, OMIM 162200. Disease mechanism: loss of function.
Cardiovascular phenotype. Identifiers: MedGen CN230736.
Hereditary cancer-predisposing syndrome. Also called: Hereditary Cancer Syndrome; Neoplastic Syndromes, Hereditary; Tumor predisposition; Hereditary neoplastic syndrome. Identifiers: Orphanet 140162, MedGen C0027672, MeSH D009386, MONDO:0015356.
Tibial pseudarthrosis. Identifiers: MedGen C4024216, HP:0009736.

Submissions (5):

GeneDx
Classification: Pathogenic. Last evaluated: 2026-07-24. Review status: criteria provided, single submitter. Criteria: GeneDx Variant Classification Process June 2021. Collection method: clinical testing. Allele origin: germline.
Comment: Nonsense variant predicted to result in protein truncation or nonsense mediated decay in a gene for which loss of function is a known mechanism of disease; Not observed at significant frequency in large population cohorts (gnomAD); This variant is associated with the following publications: (PMID: 35053433, 35641267, Bracco2014[abstract], 31533797)

3billion
Classification: Pathogenic for Neurofibromatosis, type 1. Last evaluated: 2025-06-27. Review status: criteria provided, single submitter. Criteria: ACMG Guidelines, 2015. Collection method: clinical testing. Allele origin: germline. Affected: yes.
Comment: The variant is not observed in the gnomAD v4.1.0 dataset. Predicted Consequence/Location: Stop-gained (nonsense): predicted to result in a loss or disruption of normal protein function through nonsense-mediated decay (NMD) or protein truncation. Multiple pathogenic variants are reported downstream of the variant. The variant has been reported at least twice as pathogenic without evidence for the classification (ClinVar ID: VCV000818189 /PMID: 31533797). Therefore, this variant is classified as Pathogenic according to the recommendation of ACMG/AMP guideline.

Labcorp Genetics (formerly Invitae), Labcorp
Classification: Pathogenic for Neurofibromatosis, type 1. Last evaluated: 2023-08-17. Review status: criteria provided, single submitter. Criteria: Invitae Variant Classification Sherloc (09022015). Collection method: clinical testing. Allele origin: germline.
Comment: This sequence change creates a premature translational stop signal (p.Gln97*) in the NF1 gene. It is expected to result in an absent or disrupted protein product. Loss-of-function variants in NF1 are known to be pathogenic (PMID: 10712197, 23913538). This variant is not present in population databases (gnomAD no frequency). This premature translational stop signal has been observed in individual(s) with clinical features of NF1-related conditions (PMID: 31533797). ClinVar contains an entry for this variant (Variation ID: 818189). For these reasons, this variant has been classified as Pathogenic.

Ambry Genetics
Classification: Pathogenic for Cardiovascular phenotype; Hereditary cancer-predisposing syndrome. Last evaluated: 2023-08-14. Review status: criteria provided, single submitter. Criteria: Ambry Variant Classification Scheme 2023. Collection method: clinical testing. Allele origin: germline.
Comment: The p.Q97* pathogenic mutation (also known as c.289C>T), located in coding exon 4 of the NF1 gene, results from a C to T substitution at nucleotide position 289. This changes the amino acid from a glutamine to a stop codon within coding exon 4. This alteration has been observed in individuals with a personal and/or family history that is consistent with NF1-related disease (Ambry internal data);(Zhu G et al. Orphanet J Rare Dis, 2019 Sep;14:221). This variant is considered to be rare based on population cohorts in the Genome Aggregation Database (gnomAD). In addition to the clinical data presented in the literature, this alteration is expected to result in loss of function by premature protein truncation or nonsense-mediated mRNA decay. As such, this alteration is interpreted as a disease-causing mutation.

The Laboratory of Genetics and Metabolism, Hunan Children’s Hospital
Classification: Pathogenic for Neurofibromatosis, type 1; Tibial pseudoarthrosis. Last evaluated: 2018-11-10. Review status: criteria provided, single submitter. Criteria: ACMG Guidelines, 2015. Collection method: research. Allele origin: maternal. Affected: yes. Observed: 1 variant allele.

Literature cited by the submitters: PubMed 31533797 (cited by 3 submitters); PubMed 10712197 (cited by Labcorp Genetics (formerly Invitae), Labcorp); PubMed 23913538 (cited by Labcorp Genetics (formerly Invitae), Labcorp).